The following is an entry in ClinVar:

ClinVar aggregate classification (germline): Uncertain significance (1 of 4 stars; one submission).

gnomAD v4.1: 1 of 1,614,046 alleles (0.000062%); highest among the groups gnomAD compares: Non-Finnish European, 0.000085%; no homozygotes.

Submission:

Ambry Genetics
Classification: Uncertain significance. Last evaluated: 2026-03-24. Review status: criteria provided, single submitter. Criteria: Ambry Variant Classification Scheme 2023. Collection method: clinical testing. Allele origin: germline.
Comment: The p.E95A variant (also known as c.284A>C), located in coding exon 1 of the MLH3 gene, results from an A to C substitution at nucleotide position 284. The glutamic acid at codon 95 is replaced by alanine, an amino acid with dissimilar properties. This amino acid position is conserved. In addition, this alteration is predicted to be deleterious by in silico analysis. Based on the available evidence, the clinical significance of this variant remains unclear.

NM_001040108.2(MLH3):c.284A>C (p.Glu95Ala)

Gene: MLH3 (mutL homolog 3; minus strand). Cytogenetic location: 14q24.3.
Variant type: single nucleotide variant.
Coding change: c.284A>C on transcript NM_001040108.2 (MANE Select); coding-DNA position 284, A replaced by C.
Protein change: p.Glu95Ala; replaces glutamic acid 95 with alanine.
Molecular consequence: missense variant.
Genome position (GRCh38, 1-based): chr14:75,049,372, T>G on the plus strand (A>C on the coding strand, the complement: MLH3 is on the minus strand). VCF-style: chr14-75049372-T-G. GRCh37 (hg19) VCF-style: chr14-75516075-T-G.
Other names: c.284A>C, p.Glu95Ala (NM_014381.3); short protein forms E95A.
Identifiers: ClinVar variation 4860171 (VCV004860171.1).
Genomic context (GRCh38, chr14:75,049,372, plus strand): 5'-CTGTTTTTCTTGGACGAAATTTCCACAGCACTGGCCATGTCAGCAATATTTGCCAAGGCC[T>G]CTCCTCGGAAACCATAAAACCTTGGATTCTCCAAGTCCTGTACCGAGTGGCATTTACTGG-3'
Protein context (NP_001035197.1, residues 85-105): ENPRFYGFRG[Glu95Ala]ALANIADMAS